The following is an entry in ClinVar:

ClinVar aggregate classification (germline): Uncertain significance (1 of 4 stars; one submission).

Conditions:
Kabuki syndrome. Also called: NIIKAWA-KUROKI SYNDROME; Kabuki make-up syndrome. Identifiers: Orphanet 2322, MedGen C0796004, MONDO:0016512.

Submission:

Labcorp Genetics (formerly Invitae), Labcorp
Classification: Uncertain significance for Kabuki syndrome. Last evaluated: 2023-11-07. Review status: criteria provided, single submitter. Criteria: Invitae Variant Classification Sherloc (09022015). Collection method: clinical testing. Allele origin: germline.
Comment: This sequence change replaces lysine, which is basic and polar, with arginine, which is basic and polar, at codon 4998 of the KMT2D protein (p.Lys4998Arg). This variant is not present in population databases (gnomAD no frequency). This variant has not been reported in the literature in individuals affected with KMT2D-related conditions. Advanced modeling of protein sequence and biophysical properties (such as structural, functional, and spatial information, amino acid conservation, physicochemical variation, residue mobility, and thermodynamic stability) has been performed at Invitae for this missense variant, however the output from this modeling did not meet the statistical confidence thresholds required to predict the impact of this variant on KMT2D protein function. In summary, the available evidence is currently insufficient to determine the role of this variant in disease. Therefore, it has been classified as a Variant of Uncertain Significance.

NM_003482.4(KMT2D):c.14993A>G (p.Lys4998Arg)

Gene: KMT2D (lysine methyltransferase 2D; minus strand). Cytogenetic location: 12q13.12.
Variant type: single nucleotide variant.
Coding change: c.14993A>G on transcript NM_003482.4 (MANE Select); coding-DNA position 14993, A replaced by G.
Protein change: p.Lys4998Arg; replaces lysine 4998 with arginine.
Molecular consequence: missense variant.
Genome position (GRCh38, 1-based): chr12:49,026,973, T>C on the plus strand (A>G on the coding strand, the complement: KMT2D is on the minus strand). VCF-style: chr12-49026973-T-C. GRCh37 (hg19) VCF-style: chr12-49420756-T-C.
Other names: short protein forms K4998R.
Identifiers: ClinVar variation 2961145 (VCV002961145.3), dbSNP rs1227382518, ClinGen allele CA384690908.
Genomic context (GRCh38, chr12:49,026,973, plus strand): 5'-GTGCCAAGCTGCTCCATAAACTCTGCCACTTCCCGCTCATCCTCCTGCCGCCCACTGCCC[T>C]TCTGGATGGTCAGCAGCAGCCGAAGCCGCTTCCAGCGCACTCCTTTCCATTTCTTGAGGC-3'
Protein context (NP_003473.3, residues 4988-5008): KRLRLLLTIQ[Lys4998Arg]GSGRQEDERE